The following is an entry in ClinVar:

ClinVar aggregate classification (germline): Uncertain significance. Review status: criteria provided, multiple submitters, no conflicts (2 of 4 stars). 2 submissions from 2 submitters: Uncertain significance (2). Last evaluated 2023-05-21.

Conditions:
Orofaciodigital syndrome type 14. Also called: Orofaciodigital syndrome xiv. Identifiers: Orphanet 434179, MedGen C4706604, MONDO:0014413, OMIM 615948.

Allele frequency attached by ClinVar (database versions not stated): ExAC 0.00001.
gnomAD v4.1: 5 of 1,613,634 alleles (0.00031%); highest among the groups gnomAD compares: Non-Finnish European, 0.00025%; no homozygotes.

Submissions (2):

Baylor Genetics
Classification: Uncertain significance for Orofaciodigital syndrome type 14. Last evaluated: 2023-05-21. Review status: criteria provided, single submitter. Criteria: ACMG Guidelines, 2015. Collection method: clinical testing. Allele origin: unknown.

Labcorp Genetics (formerly Invitae), Labcorp
Classification: Uncertain significance. Last evaluated: 2022-03-04. Review status: criteria provided, single submitter. Criteria: Invitae Variant Classification Sherloc (09022015). Collection method: clinical testing. Allele origin: germline.
Comment: This sequence change replaces arginine, which is basic and polar, with threonine, which is neutral and polar, at codon 1061 of the C2CD3 protein (p.Arg1061Thr). This variant is present in population databases (rs747425739, gnomAD 0.0009%). This variant has not been reported in the literature in individuals affected with C2CD3-related conditions. Algorithms developed to predict the effect of missense changes on protein structure and function are either unavailable or do not agree on the potential impact of this missense change (SIFT: "Deleterious"; PolyPhen-2: "Probably Damaging"; Align-GVGD: "Class C0"). In summary, the available evidence is currently insufficient to determine the role of this variant in disease. Therefore, it has been classified as a Variant of Uncertain Significance.

NM_001286577.2(C2CD3):c.3182G>C (p.Arg1061Thr)

Gene: C2CD3 (C2 domain containing 3 centriole elongation regulator; minus strand). Cytogenetic location: 11q13.4.
Variant type: single nucleotide variant.
Coding change: c.3182G>C on transcript NM_001286577.2 (MANE Select); coding-DNA position 3182, G replaced by C.
Protein change: p.Arg1061Thr; replaces arginine 1061 with threonine.
Molecular consequence: missense variant.
Genome position (GRCh38, 1-based): chr11:74,093,978, C>G on the plus strand (G>C on the coding strand, the complement: C2CD3 is on the minus strand). VCF-style: chr11-74093978-C-G. GRCh37 (hg19) VCF-style: chr11-73805023-C-G.
Other names: c.3182G>C, p.Arg1061Thr (NM_015531.6); short protein forms R1061T.
Identifiers: ClinVar variation 1955116 (VCV001955116.6), dbSNP rs747425739, ClinGen allele CA6182462.